The following is an entry in ClinVar:

NM_000059.4(BRCA2):c.3311C>T (p.Thr1104Ile)

Gene: BRCA2 (BRCA2 DNA repair associated; plus strand). Cytogenetic location: 13q13.1.
Variant type: single nucleotide variant.
Coding change: c.3311C>T on transcript NM_000059.4 (MANE Select); coding-DNA position 3311, C replaced by T.
Protein change: p.Thr1104Ile; replaces threonine 1104 with isoleucine.
Molecular consequence: missense variant.
Genome position (GRCh38, 1-based): chr13:32,337,666, C>T. VCF-style: chr13-32337666-C-T. GRCh37 (hg19) VCF-style: chr13-32911803-C-T.
Other names: short protein forms T1104I.
Identifiers: ClinVar variation 582498 (VCV000582498.12), dbSNP rs1566228273, ClinGen allele CA387776207.

ClinVar aggregate classification (germline): Conflicting classifications of pathogenicity. Review status: criteria provided, conflicting classifications (1 of 4 stars). 3 submissions from 3 submitters: Uncertain significance (2); Likely benign (1). Last evaluated 2023-03-23.

Conditions:
Hereditary breast ovarian cancer syndrome. Also called: Hereditary breast and ovarian cancer syndrome; Hereditary breast and/or ovarian cancer syndrome; Hereditary breast and ovarian cancer syndrome (HBOC); Breast and ovarian cancer; BRCA1- and BRCA2-Associated Hereditary Breast and Ovarian Cancer; Hereditary breast and ovarian cancer. Identifiers: Orphanet 145, MedGen C0677776, MeSH D061325, MONDO:0003582. Disease mechanism: loss of function.
Hereditary cancer-predisposing syndrome. Also called: Neoplastic Syndromes, Hereditary; Hereditary Cancer Syndrome; Tumor predisposition; Hereditary neoplastic syndrome. Identifiers: Orphanet 140162, MedGen C0027672, MeSH D009386, MONDO:0015356.

Submissions (3):

University of Washington Department of Laboratory Medicine, University of Washington
Classification: Likely benign for Hereditary cancer-predisposing syndrome. Last evaluated: 2023-03-23. Review status: criteria provided, single submitter. Criteria: Dines et al. (Genet Med. 2020). Collection method: curation. Allele origin: germline.
Comment: Missense variant in a coldspot region where missense variants are very unlikely to be pathogenic (PMID:31911673).

BRCA2 exon 11 coldspot. Reclassification based on statistical prior probability.

Ambry Genetics
Classification: Uncertain significance for Hereditary cancer-predisposing syndrome. Last evaluated: 2022-10-24. Review status: criteria provided, single submitter. Criteria: Ambry Variant Classification Scheme 2023. Collection method: clinical testing. Allele origin: germline.
Comment: The p.T1104I variant (also known as c.3311C>T), located in coding exon 10 of the BRCA2 gene, results from a C to T substitution at nucleotide position 3311. The threonine at codon 1104 is replaced by isoleucine, an amino acid with similar properties. This amino acid position is highly conserved in available vertebrate species. In addition, the in silico prediction for this alteration is inconclusive. Since supporting evidence is limited at this time, the clinical significance of this alteration remains unclear.

Labcorp Genetics (formerly Invitae), Labcorp
Classification: Uncertain significance for Hereditary breast ovarian cancer syndrome. Last evaluated: 2018-04-10. Review status: criteria provided, single submitter. Criteria: Invitae Variant Classification Sherloc (09022015). Collection method: clinical testing. Allele origin: germline.
Comment: This sequence change replaces threonine with isoleucine at codon 1104 of the BRCA2 protein (p.Thr1104Ile). The threonine residue is highly conserved and there is a moderate physicochemical difference between threonine and isoleucine. This variant is not present in population databases (ExAC no frequency). This variant has not been reported in the literature in individuals with BRCA2-related disease. Algorithms developed to predict the effect of missense changes on protein structure and function (SIFT, PolyPhen-2, Align-GVGD) all suggest that this variant is likely to be disruptive, but these predictions have not been confirmed by published functional studies and their clinical significance is uncertain. In summary, the available evidence is currently insufficient to determine the role of this variant in disease. Therefore, it has been classified as a Variant of Uncertain Significance.